The following is an entry in ClinVar:

ClinVar aggregate classification (germline): Uncertain significance (1 of 4 stars; one submission).

gnomAD v4.1: 1 of 1,614,136 alleles (0.000062%); highest among the groups gnomAD compares: African/African-American, 0.0013%; no homozygotes.

Submission:

Labcorp Genetics (formerly Invitae), Labcorp
Classification: Uncertain significance. Last evaluated: 2024-01-22. Review status: criteria provided, single submitter. Criteria: Invitae Variant Classification Sherloc (09022015). Collection method: clinical testing. Allele origin: germline.
Comment: This sequence change replaces aspartic acid, which is acidic and polar, with glutamic acid, which is acidic and polar, at codon 351 of the KIF20A protein (p.Asp351Glu). This variant is not present in population databases (gnomAD no frequency). This variant has not been reported in the literature in individuals affected with KIF20A-related conditions. An algorithm developed to predict the effect of missense changes on protein structure and function (PolyPhen-2) suggests that this variant is likely to be tolerated. In summary, the available evidence is currently insufficient to determine the role of this variant in disease. Therefore, it has been classified as a Variant of Uncertain Significance.

NM_005733.3(KIF20A):c.1053T>A (p.Asp351Glu)

Gene: KIF20A (kinesin family member 20A; plus strand). Cytogenetic location: 5q31.2.
Variant type: single nucleotide variant.
Coding change: c.1053T>A on transcript NM_005733.3 (MANE Select); coding-DNA position 1053, T replaced by A.
Protein change: p.Asp351Glu; replaces aspartic acid 351 with glutamic acid.
Molecular consequence: missense variant.
Genome position (GRCh38, 1-based): chr5:138,183,495, T>A. VCF-style: chr5-138183495-T-A. GRCh37 (hg19) VCF-style: chr5-137519184-T-A.
Other names: short protein forms D351E.
Identifiers: ClinVar variation 2727076 (VCV002727076.3), dbSNP rs763414223, ClinGen allele CA361115027.